The following is an entry in ClinVar:

NM_014795.4(ZEB2):c.2970G>T (p.Lys990Asn)

Gene: ZEB2 (zinc finger E-box binding homeobox 2; minus strand). Cytogenetic location: 2q22.3.
Variant type: single nucleotide variant.
Coding change: c.2970G>T on transcript NM_014795.4 (MANE Select); coding-DNA position 2970, G replaced by T.
Protein change: p.Lys990Asn; replaces lysine 990 with asparagine.
Molecular consequence: missense variant.
Genome position (GRCh38, 1-based): chr2:144,396,509, C>A on the plus strand (G>T on the coding strand, the complement: ZEB2 is on the minus strand). VCF-style: chr2-144396509-C-A. GRCh37 (hg19) VCF-style: chr2-145154076-C-A.
Other names: c.2898G>T, p.Lys966Asn (NM_001171653.2); short protein forms K966N, K990N.
Identifiers: ClinVar variation 1027239 (VCV001027239.8), dbSNP rs1703231354, ClinGen allele CA348704225.

ClinVar aggregate classification (germline): Uncertain significance (1 of 4 stars; one submission).

Conditions:
Mowat-Wilson syndrome (MOWS). Also called: Classic Mowat-Wilson Syndrome. Identifiers: Orphanet 2152, MedGen C1856113, MONDO:0009341, OMIM 235730.

Allele frequency attached by ClinVar (database versions not stated): gnomAD exomes below 0.00001.
gnomAD v4.1: 1 of 1,614,116 alleles (0.000062%); highest among the groups gnomAD compares: Non-Finnish European, 0.000085%; no homozygotes.

Submission:

Labcorp Genetics (formerly Invitae), Labcorp
Classification: Uncertain significance for Mowat-Wilson syndrome. Last evaluated: 2020-08-18. Review status: criteria provided, single submitter. Criteria: Invitae Variant Classification Sherloc (09022015). Collection method: clinical testing. Allele origin: germline.
Comment: In summary, the available evidence is currently insufficient to determine the role of this variant in disease. Therefore, it has been classified as a Variant of Uncertain Significance. Algorithms developed to predict the effect of missense changes on protein structure and function are either unavailable or do not agree on the potential impact of this missense change (SIFT: "Deleterious"; PolyPhen-2: "Probably Damaging"; Align-GVGD: "Class C0"). This variant has not been reported in the literature in individuals with ZEB2-related conditions. This variant is not present in population databases (ExAC no frequency). This sequence change replaces lysine with asparagine at codon 990 of the ZEB2 protein (p.Lys990Asn). The lysine residue is highly conserved and there is a moderate physicochemical difference between lysine and asparagine.